The following is an entry in ClinVar:

NM_014249.4(NR2E3):c.92G>T (p.Arg31Ile)

Gene: NR2E3 (nuclear receptor subfamily 2 group E member 3; plus strand). Cytogenetic location: 15q23.
Variant type: single nucleotide variant.
Coding change: c.92G>T on transcript NM_014249.4 (MANE Select); coding-DNA position 92, G replaced by T.
Protein change: p.Arg31Ile; replaces arginine 31 with isoleucine.
Molecular consequence: missense variant.
Genome position (GRCh38, 1-based): chr15:71,810,835, G>T. VCF-style: chr15-71810835-G-T. GRCh37 (hg19) VCF-style: chr15-72103175-G-T.
Other names: c.92G>T (NM_014249.2); c.92G>T, p.Arg31Ile (NM_016346.4); short protein forms R31I.
Identifiers: ClinVar variation 1945736 (VCV001945736.6), dbSNP rs2054172755, ClinGen allele CA393031756.

ClinVar aggregate classification (germline): Uncertain significance. Review status: criteria provided, multiple submitters, no conflicts (2 of 4 stars). 2 submissions from 2 submitters: Uncertain significance (2). Last evaluated 2024-07-06.

Conditions:
Inborn genetic diseases. Identifiers: MedGen C0950123, MeSH D030342.

Allele frequency attached by ClinVar (database versions not stated): TOPMed below 0.00001.

Submissions (2):

Ambry Genetics
Classification: Uncertain significance for Inborn genetic diseases. Last evaluated: 2024-07-06. Review status: criteria provided, single submitter. Criteria: Ambry Variant Classification Scheme 2023. Collection method: clinical testing. Allele origin: germline.

Labcorp Genetics (formerly Invitae), Labcorp
Classification: Uncertain significance. Last evaluated: 2022-07-05. Review status: criteria provided, single submitter. Criteria: Invitae Variant Classification Sherloc (09022015). Collection method: clinical testing. Allele origin: germline.
Comment: This variant has not been reported in the literature in individuals affected with NR2E3-related conditions. In summary, the available evidence is currently insufficient to determine the role of this variant in disease. Therefore, it has been classified as a Variant of Uncertain Significance. Experimental studies and prediction algorithms are not available or were not evaluated, and the functional significance of this variant is currently unknown. This variant is not present in population databases (gnomAD no frequency). This sequence change replaces arginine, which is basic and polar, with isoleucine, which is neutral and non-polar, at codon 31 of the NR2E3 protein (p.Arg31Ile).